The following is an entry in ClinVar:

ClinVar aggregate classification (germline): Uncertain significance (1 of 4 stars; one submission).

Conditions:
Neurodegeneration with brain iron accumulation 5 (NBIA5). Also called: STATIC ENCEPHALOPATHY OF CHILDHOOD WITH NEURODEGENERATION IN ADULTHOOD; Beta-propeller protein-associated neurodegeneration. Identifiers: Orphanet 329284, MedGen C3550973, MONDO:0010476, OMIM 300894.

gnomAD v4.1: 3 of 1,210,817 alleles (0.00025%); highest among the groups gnomAD compares: East Asian, 0.0089%; no homozygotes.

Submission:

Labcorp Genetics (formerly Invitae), Labcorp
Classification: Uncertain significance for Neurodegeneration with brain iron accumulation 5. Last evaluated: 2025-06-12. Review status: criteria provided, single submitter. Criteria: Invitae Variant Classification Sherloc (09022015). Collection method: clinical testing. Allele origin: germline.
Comment: This sequence change replaces methionine, which is neutral and non-polar, with valine, which is neutral and non-polar, at codon 287 of the WDR45 protein (p.Met287Val). This variant is not present in population databases (gnomAD no frequency). This variant has not been reported in the literature in individuals affected with WDR45-related conditions. Invitae Evidence Modeling of protein sequence and biophysical properties (such as structural, functional, and spatial information, amino acid conservation, physicochemical variation, residue mobility, and thermodynamic stability) indicates that this missense variant is not expected to disrupt WDR45 protein function with a negative predictive value of 80%. In summary, the available evidence is currently insufficient to determine the role of this variant in disease. Therefore, it has been classified as a Variant of Uncertain Significance.

NM_001029896.2(WDR45):c.856A>G (p.Met286Val)

Gene: WDR45 (WD repeat domain 45; minus strand). Cytogenetic location: Xp11.23.
Variant type: single nucleotide variant.
Coding change: c.856A>G on transcript NM_001029896.2 (MANE Select); coding-DNA position 856, A replaced by G.
Protein change: p.Met286Val; replaces methionine 286 with valine.
Molecular consequence: missense variant.
Genome position (GRCh38, 1-based): chrX:49,075,253, T>C on the plus strand (A>G on the coding strand, the complement: WDR45 is on the minus strand). VCF-style: chrX-49075253-T-C. GRCh37 (hg19) VCF-style: chrX-48932912-T-C.
Other names: c.859A>G, p.Met287Val (NM_007075.4); short protein forms M286V, M287V.
Identifiers: ClinVar variation 4738397 (VCV004738397.1).